The following is an entry in ClinVar:

ClinVar aggregate classification (germline): Uncertain significance (1 of 4 stars; one submission).

Submission:

Women's Health and Genetics/Laboratory Corporation of America, LabCorp
Classification: Uncertain significance. Last evaluated: 2023-04-28. Review status: criteria provided, single submitter. Criteria: LabCorp Variant Classification Summary - May 2015. Collection method: clinical testing. Allele origin: germline.
Comment: Variant summary: ARID1B c.1663G>A (p.Gly555Ser) results in a non-conservative amino acid change in the encoded protein sequence. Two of four in-silico tools predict a benign effect of the variant on protein function. The variant was absent in 7576 control chromosomes. The available data on variant occurrences in the general population are insufficient to allow any conclusion about variant significance. To our knowledge, no occurrence of c.1663G>A in individuals affected with Coffin-Siris Syndrome 1 and no experimental evidence demonstrating its impact on protein function have been reported. No clinical diagnostic laboratories have submitted clinical-significance assessments for this variant to ClinVar after 2014. Based on the evidence outlined above, the variant was classified as uncertain significance.

NM_001374828.1(ARID1B):c.1663G>A (p.Gly555Ser)

Gene: ARID1B (AT-rich interaction domain 1B; plus strand). Cytogenetic location: 6q25.3.
Variant type: single nucleotide variant.
Coding change: c.1663G>A on transcript NM_001374828.1 (MANE Select); coding-DNA position 1663, G replaced by A.
Protein change: p.Gly555Ser; replaces glycine 555 with serine.
Molecular consequence: missense variant.
Genome position (GRCh38, 1-based): chr6:156,779,343, G>A. VCF-style: chr6-156779343-G-A. GRCh37 (hg19) VCF-style: chr6-157100477-G-A.
Other names: c.1414G>A, p.Gly472Ser (NM_001346813.1, NM_020732.3); c.1663G>A, p.Gly555Ser (NM_001371656.1, NM_001374820.1, NM_017519.3); c.1240G>A, p.Gly414Ser (NM_175863.2); short protein forms G414S, G472S, G555S.
Identifiers: ClinVar variation 2503973 (VCV002503973.1), dbSNP rs1779012592, ClinGen allele CA366385302.
Genomic context (GRCh38, chr6:156,779,343, plus strand): 5'-CAGCCCCAGTCCCAGGCGGCGGCGGCGGGGGCGGCGGCGGGCGGCCAGCAGGCGGCCGCG[G>A]GCATGGGCTTGGGCAAGGACATGGGCGCCCAGTACGCCGCTGCCAGCCCGGCCTGGGCGG-3'
Protein context (NP_001361757.1, residues 545-565): AAAGGQQAAA[Gly555Ser]MGLGKDMGAQ